The following is an entry in ClinVar:

NM_004183.4(BEST1):c.1140G>C (p.Glu380Asp)

Gene: BEST1 (bestrophin 1; plus strand). Cytogenetic location: 11q12.3.
Variant type: single nucleotide variant.
Coding change: c.1140G>C on transcript NM_004183.4 (MANE Select); coding-DNA position 1140, G replaced by C.
Protein change: p.Glu380Asp; replaces glutamic acid 380 with aspartic acid.
Molecular consequence: missense variant. On other transcripts: non-coding transcript variant (1).
Genome position (GRCh38, 1-based): chr11:61,962,294, G>C. VCF-style: chr11-61962294-G-C. GRCh37 (hg19) VCF-style: chr11-61729766-G-C.
Other names: c.960G>C, p.Glu320Asp (NM_001139443.3, NM_001300787.2); c.879G>C, p.Glu293Asp (NM_001300786.2); c.822G>C, p.Glu274Asp (NM_001363591.3); c.*35G>C (NM_001363592.2); c.168G>C, p.Glu56Asp (NM_001363593.3); short protein forms E293D, E380D, E56D, E320D, E274D.
Identifiers: ClinVar variation 2149814 (VCV002149814.5), dbSNP rs1942146755, ClinGen allele CA380847255.
Genomic context (GRCh38, chr11:61,962,294, plus strand): 5'-GCATCTCCTGTTTCTTTCCAGCCTGAACAAAGAGGAGATGGAGTTCCAGCCCAATCAGGA[G>C]GACGAGGAGGATGCTCACGCTGGCATCATTGGCCGCTTCCTAGGCCTGCAGTCCCATGAT-3'
Protein context (NP_004174.1, residues 370-390): KEEMEFQPNQ[Glu380Asp]DEEDAHAGII

ClinVar aggregate classification (germline): Uncertain significance. Review status: criteria provided, multiple submitters, no conflicts (2 of 4 stars). 2 submissions from 2 submitters: Uncertain significance (2). Last evaluated 2025-06-17.

Allele frequency attached by ClinVar (database versions not stated): TOPMed below 0.00001.

Submissions (2):

Labcorp Genetics (formerly Invitae), Labcorp
Classification: Uncertain significance. Last evaluated: 2025-06-17. Review status: criteria provided, single submitter. Criteria: Invitae Variant Classification Sherloc (09022015). Collection method: clinical testing. Allele origin: germline.
Comment: This sequence change replaces glutamic acid, which is acidic and polar, with aspartic acid, which is acidic and polar, at codon 380 of the BEST1 protein (p.Glu380Asp). This variant is not present in population databases (gnomAD no frequency). This variant has not been reported in the literature in individuals affected with BEST1-related conditions. ClinVar contains an entry for this variant (Variation ID: 2149814). Invitae Evidence Modeling of protein sequence and biophysical properties (such as structural, functional, and spatial information, amino acid conservation, physicochemical variation, residue mobility, and thermodynamic stability) has been performed for this missense variant. However, the output from this modeling did not meet the statistical confidence thresholds required to predict the impact of this variant on BEST1 protein function. In summary, the available evidence is currently insufficient to determine the role of this variant in disease. Therefore, it has been classified as a Variant of Uncertain Significance.

Blueprint Genetics
Classification: Uncertain significance. Last evaluated: 2024-09-20. Review status: criteria provided, single submitter. Criteria: ACMG Guidelines, 2015. Collection method: clinical testing. Allele origin: germline.